The following is an entry in ClinVar:

NM_201384.3(PLEC):c.4969C>T (p.Leu1657=)

Gene: PLEC (plectin; minus strand). Cytogenetic location: 8q24.3.
Variant type: single nucleotide variant.
Coding change: c.4969C>T on transcript NM_201384.3 (MANE Select); coding-DNA position 4969, C replaced by T.
Protein change: p.Leu1657=; no amino-acid change (leucine 1657 retained).
Molecular consequence: synonymous variant.
Genome position (GRCh38, 1-based): chr8:143,924,960, G>A on the plus strand (C>T on the coding strand, the complement: PLEC is on the minus strand). VCF-style: chr8-143924960-G-A. GRCh37 (hg19) VCF-style: chr8-144999128-G-A.
Other names: c.5050C>T, p.Leu1684= (NM_000445.5); c.4927C>T, p.Leu1643= (NM_201378.4); c.4903C>T, p.Leu1635= (NM_201379.3); c.5380C>T, p.Leu1794= (NM_201380.4); c.4873C>T, p.Leu1625= (NM_201381.3); c.4969C>T, p.Leu1657= (NM_201382.4); c.4981C>T, p.Leu1661= (NM_201383.3).
Identifiers: ClinVar variation 595084 (VCV000595084.11), dbSNP rs782048416, ClinGen allele CA4926482.

ClinVar aggregate classification (germline): Conflicting classifications of pathogenicity. Review status: criteria provided, conflicting classifications (1 of 4 stars). 3 submissions from 3 submitters: Uncertain significance (1); Likely benign (2). Last evaluated 2026-06-01.

Conditions:
Epidermolysis bullosa simplex with nail dystrophy (EBS5D). Identifiers: MedGen C4225309, MONDO:0014661, OMIM 616487.
Epidermolysis bullosa simplex, Ogna type (EBS5A). Also called: Pidermolysis bullosa simplex 5A, Ogna type; EPIDERMOLYSIS BULLOSA SIMPLEX 5A, OGNA TYPE. Identifiers: Orphanet 79401, MedGen C0432317, MONDO:0007555, OMIM 131950.
Epidermolysis bullosa simplex 5C, with pyloric atresia (EBS5C). Also called: PLEC1-Related Epidermolysis Bullosa with Pyloric Atresia; PLEC-Related Epidermolysis Bullosa with Pyloric Atresia; Epidermolysis bullosa simplex with pyloric atresia. Identifiers: Orphanet 158684, MedGen C2677349, MONDO:0012807, OMIM 612138.
Epidermolysis bullosa simplex 5B, with muscular dystrophy (EBS5B). Also called: Epidermolysis bullosa simplex with muscular dystrophy; EPIDERMOLYSIS BULLOSA SIMPLEX AND LIMB-GIRDLE MUSCULAR DYSTROPHY. Identifiers: Orphanet 257, MedGen C2931072, MONDO:0009181, OMIM 226670.
Autosomal recessive limb-girdle muscular dystrophy type 2Q (LGMDR17). Also called: MUSCULAR DYSTROPHY, LIMB-GIRDLE, AUTOSOMAL RECESSIVE 17. Identifiers: Orphanet 254361, MedGen C3150989, MONDO:0013390, OMIM 613723.

Allele frequency attached by ClinVar (database versions not stated): gnomAD 0.00002; gnomAD exomes 0.00002; TOPMed 0.00005.
gnomAD v4.1: 67 of 1,580,500 alleles (0.0042%); highest among the groups gnomAD compares: Non-Finnish European, 0.0053%; no homozygotes.

Submissions (3):

CeGaT Center for Human Genetics Tuebingen
Classification: Likely benign. Last evaluated: 2026-06-01. Review status: criteria provided, single submitter. Criteria: CeGaT Center For Human Genetics Tuebingen Variant Classification Criteria Version 2. Collection method: clinical testing. Allele origin: germline. Affected: yes. Observed: 1 variant allele.
Comment: PLEC: BP4, BP7

Labcorp Genetics (formerly Invitae), Labcorp
Classification: Likely benign for Autosomal recessive limb-girdle muscular dystrophy type 2Q; Epidermolysis bullosa simplex, Ogna type; Epidermolysis bullosa simplex with nail dystrophy; Epidermolysis bullosa simplex 5C, with pyloric atresia; Epidermolysis bullosa simplex 5B, with muscular dystrophy. Last evaluated: 2025-10-02. Review status: criteria provided, single submitter. Criteria: Invitae Variant Classification Sherloc (09022015). Collection method: clinical testing. Allele origin: germline.

Eurofins Ntd Llc (ga)
Classification: Uncertain significance. Last evaluated: 2017-11-17. Review status: criteria provided, single submitter. Criteria: EGL Classification Definitions 2015. Collection method: clinical testing. Allele origin: germline. Observed: 1 variant allele, 1 heterozygote.